The following is an entry in ClinVar:

NM_001384125.1(BLTP1):c.1756del (p.Glu586fs)

Gene: BLTP1 (bridge-like lipid transfer protein family member 1; plus strand). Cytogenetic location: 4q27.
Variant type: Deletion.
Coding change: c.1756del on transcript NM_001384125.1 (MANE Select); coding-DNA position 1756, one base deleted (G; older notation c.1756delG).
Protein change: p.Glu586fs; shifts the reading frame from glutamic acid 586.
Molecular consequence: frameshift variant.
Genome position (GRCh38, 1-based): chr4:122,209,162, G deleted. VCF-style (leftmost placement, unchanged base first): chr4-122209161-AG-A. GRCh37 (hg19) VCF-style: chr4-123130316-AG-A.
Other names: c.1756del, p.Glu586fs (NM_015312.4); c.1756delG (NM_015312.4); short protein forms E586fs.
Identifiers: ClinVar variation 4847798 (VCV004847798.1).

ClinVar aggregate classification (germline): Pathogenic (1 of 4 stars; one submission).

Conditions:
Alkuraya-Kucinskas syndrome. Identifiers: Orphanet 610569, MedGen C4693347, MONDO:0060631, OMIM 617822.

Submission:

Women's Health and Genetics/Laboratory Corporation of America, LabCorp
Classification: Pathogenic for Alkuraya-Kucinskas syndrome. Last evaluated: 2026-02-16. Review status: criteria provided, single submitter. Criteria: LabCorp Variant Classification Summary - May 2015. Collection method: clinical testing. Allele origin: germline.
Comment: Variant summary: BLTP1 c.1756delG (p.Glu586LysfsX23) results in a premature termination codon, predicted to cause a truncation of the encoded protein or absence of the protein due to nonsense mediated decay, which are commonly known mechanisms for disease. The variant was absent in 234690 control chromosomes. To our knowledge, no occurrence of c.1756delG in individuals affected with BLTP1-related conditions and no experimental evidence demonstrating its impact on protein function have been reported. No submitters have cited clinical-significance assessments for this variant to ClinVar. Based on the evidence outlined above, the variant was classified as pathogenic.